The following is an entry in ClinVar:

ClinVar aggregate classification (germline): Conflicting classifications of pathogenicity. Review status: criteria provided, conflicting classifications (1 of 4 stars). 2 submissions from 2 submitters: Likely pathogenic (1); Uncertain significance (1). Last evaluated 2022-08-21.

Conditions:
MPLKIP-related disorders.

Allele frequency attached by ClinVar (database versions not stated): gnomAD 0.00001; gnomAD exomes 0.00001 and 0.00002; TOPMed 0.00001; ExAC 0.00002.

Submissions (2):

Labcorp Genetics (formerly Invitae), Labcorp
Classification: Uncertain significance. Last evaluated: 2022-08-21. Review status: criteria provided, single submitter. Criteria: Invitae Variant Classification Sherloc (09022015). Collection method: clinical testing. Allele origin: germline.
Comment: This sequence change creates a premature translational stop signal (p.Trp149*) in the MPLKIP gene. While this is not anticipated to result in nonsense mediated decay, it is expected to disrupt the last 31 amino acid(s) of the MPLKIP protein. This variant is present in population databases (rs201585747, gnomAD 0.05%). This variant has not been reported in the literature in individuals affected with MPLKIP-related conditions. ClinVar contains an entry for this variant (Variation ID: 1513630). Experimental studies and prediction algorithms are not available or were not evaluated, and the functional significance of this variant is currently unknown. In summary, the available evidence is currently insufficient to determine the role of this variant in disease. Therefore, it has been classified as a Variant of Uncertain Significance.

Blueprint Genetics
Classification: Likely pathogenic for MPLKIP-related disorders. Last evaluated: 2022-02-26. Review status: criteria provided, single submitter. Criteria: ACMG Guidelines, 2015. Collection method: clinical testing. Allele origin: germline. Affected: yes. Observed: 1 variant allele.

NM_138701.4(MPLKIP):c.447G>A (p.Trp149Ter)

Gene: MPLKIP (M-phase specific PLK1 interacting protein; minus strand). Cytogenetic location: 7p14.1.
Variant type: single nucleotide variant.
Coding change: c.447G>A on transcript NM_138701.4 (MANE Select); coding-DNA position 447, G replaced by A.
Protein change: p.Trp149Ter; replaces tryptophan 149 with a stop codon.
Molecular consequence: nonsense.
Genome position (GRCh38, 1-based): chr7:40,133,152, C>T on the plus strand (G>A on the coding strand, the complement: MPLKIP is on the minus strand). VCF-style: chr7-40133152-C-T. GRCh37 (hg19) VCF-style: chr7-40172751-C-T.
Other names: short protein forms W149*.
Identifiers: ClinVar variation 1513630 (VCV001513630.4), dbSNP rs201585747, ClinGen allele CA4229171.
Genomic context (GRCh38, chr7:40,133,152, plus strand): 5'-TGTTTGAGTATTGCTGTATTGTTGGCTTATATCCACTACAGATACTGGTTCTAGGCCAGC[C>T]CAAGGATCTTCAAGCATTGAAGGCTTGAAATAATTTTCCAACTCATTAGACATTCTTTTT-3'